The following is an entry in ClinVar:

ClinVar aggregate classification (germline): Uncertain significance (1 of 4 stars; one submission).

Submission:

Labcorp Genetics (formerly Invitae), Labcorp
Classification: Uncertain significance. Last evaluated: 2025-09-02. Review status: criteria provided, single submitter. Criteria: Invitae Variant Classification Sherloc (09022015). Collection method: clinical testing. Allele origin: germline.
Comment: This sequence change replaces glutamic acid, which is acidic and polar, with valine, which is neutral and non-polar, at codon 1553 of the ALPK3 protein (p.Glu1553Val). This variant is not present in population databases (gnomAD no frequency). This variant has not been reported in the literature in individuals affected with ALPK3-related conditions. ClinVar contains an entry for this variant (Variation ID: 2840736). Invitae Evidence Modeling of protein sequence and biophysical properties (such as structural, functional, and spatial information, amino acid conservation, physicochemical variation, residue mobility, and thermodynamic stability) indicates that this missense variant is not expected to disrupt ALPK3 protein function with a negative predictive value of 80%. In summary, the available evidence is currently insufficient to determine the role of this variant in disease. Therefore, it has been classified as a Variant of Uncertain Significance.

NM_020778.5(ALPK3):c.4052A>T (p.Glu1351Val)

Gene: ALPK3 (alpha kinase 3; plus strand). Cytogenetic location: 15q25.3.
Variant type: single nucleotide variant.
Coding change: c.4052A>T on transcript NM_020778.5 (MANE Select); coding-DNA position 4052, A replaced by T.
Protein change: p.Glu1351Val; replaces glutamic acid 1351 with valine.
Molecular consequence: missense variant.
Genome position (GRCh38, 1-based): chr15:84,859,862, A>T. VCF-style: chr15-84859862-A-T. GRCh37 (hg19) VCF-style: chr15-85403093-A-T.
Other names: short protein forms E1351V.
Identifiers: ClinVar variation 2840736 (VCV002840736.3), dbSNP rs2505724873, ClinGen allele CA393361969.